The following is an entry in ClinVar:

ClinVar aggregate classification (germline): Uncertain significance (1 of 4 stars; one submission).

Submission:

GeneDx
Classification: Uncertain significance. Last evaluated: 2023-10-15. Review status: criteria provided, single submitter. Criteria: GeneDx Variant Classification Process June 2021. Collection method: clinical testing. Allele origin: germline. Affected: yes.
Comment: Not observed at significant frequency in large population cohorts (gnomAD); In silico analysis supports that this missense variant does not alter protein structure/function; Has not been previously published as pathogenic or benign to our knowledge

NM_002397.5(MEF2C):c.1022C>T (p.Ala341Val)

Gene: MEF2C (myocyte enhancer factor 2C; minus strand). Cytogenetic location: 5q14.3.
Variant type: single nucleotide variant.
Coding change: c.1022C>T on transcript NM_002397.5 (MANE Select); coding-DNA position 1022, C replaced by T.
Protein change: p.Ala341Val; replaces alanine 341 with valine.
Molecular consequence: missense variant.
Genome position (GRCh38, 1-based): chr5:88,728,571, G>A on the plus strand (C>T on the coding strand, the complement: MEF2C is on the minus strand). VCF-style: chr5-88728571-G-A. GRCh37 (hg19) VCF-style: chr5-88024388-G-A.
Other names: c.992C>T, p.Ala331Val (NM_001131005.2, NM_001364343.2, NM_001364352.2); c.1052C>T, p.Ala351Val (NM_001193347.1, NM_001364338.2); c.854C>T, p.Ala285Val (NM_001193348.1); c.878C>T, p.Ala293Val (NM_001193349.3, NM_001364332.2, NM_001364344.2 and 2 more transcripts); c.1022C>T, p.Ala341Val (NM_001193350.2, NM_001363581.2, NM_001364329.2 and 9 more transcripts); c.998C>T, p.Ala333Val (NM_001308002.3, NM_001364333.2, NM_001364339.2 and 6 more transcripts); c.644C>T, p.Ala215Val (NM_001364353.2, NM_001364356.2); c.572C>T, p.Ala191Val (NM_001364357.2); short protein forms A191V, A215V, A285V, A293V, A331V, A333V, A341V, A351V.
Identifiers: ClinVar variation 3366097 (VCV003366097.1).